The following is an entry in ClinVar:

NM_000213.5(ITGB4):c.1438G>T (p.Val480Leu)

Gene: ITGB4 (integrin subunit beta 4; plus strand). Cytogenetic location: 17q25.1.
Variant type: single nucleotide variant.
Coding change: c.1438G>T on transcript NM_000213.5 (MANE Select); coding-DNA position 1438, G replaced by T.
Protein change: p.Val480Leu; replaces valine 480 with leucine.
Molecular consequence: missense variant.
Genome position (GRCh38, 1-based): chr17:75,732,223, G>T. VCF-style: chr17-75732223-G-T. GRCh37 (hg19) VCF-style: chr17-73728304-G-T.
Other names: c.1438G>T, p.Val480Leu (NM_001005619.2, NM_001005731.3, NM_001321123.2); short protein forms V480L.
Identifiers: ClinVar variation 1965068 (VCV001965068.3), dbSNP rs1387134474, ClinGen allele CA401048709.
Genomic context (GRCh38, chr17:75,732,223, plus strand): 5'-CAAAAAGAGGTGCGGTCAGCTCGCTGCAGCTTCAACGGAGACTTCGTGTGCGGACAGTGT[G>T]TGTGCAGCGAGGGCTGGTGAGTGGGGAAGGGAGTTGGGCACCCAGGACACCAGTGGCCCC-3'
Protein context (NP_000204.3, residues 470-490): FNGDFVCGQC[Val480Leu]CSEGWSGQTC

ClinVar aggregate classification (germline): Uncertain significance. Review status: criteria provided, multiple submitters, no conflicts (2 of 4 stars). 2 submissions from 2 submitters: Uncertain significance (2). Last evaluated 2022-07-08.

Allele frequency attached by ClinVar (database versions not stated): gnomAD exomes 0.00001.
gnomAD v4.1: 17 of 1,614,078 alleles (0.0011%); highest among the groups gnomAD compares: Non-Finnish European, 0.0014%; no homozygotes.

Submissions (2):

Labcorp Genetics (formerly Invitae), Labcorp
Classification: Uncertain significance. Last evaluated: 2022-07-08. Review status: criteria provided, single submitter. Criteria: Invitae Variant Classification Sherloc (09022015). Collection method: clinical testing. Allele origin: germline.
Comment: This sequence change replaces valine, which is neutral and non-polar, with leucine, which is neutral and non-polar, at codon 480 of the ITGB4 protein (p.Val480Leu). This variant is not present in population databases (gnomAD no frequency). This variant has not been reported in the literature in individuals affected with ITGB4-related conditions. Algorithms developed to predict the effect of missense changes on protein structure and function are either unavailable or do not agree on the potential impact of this missense change (SIFT: "Not Available"; PolyPhen-2: "Benign"; Align-GVGD: "Not Available"). In summary, the available evidence is currently insufficient to determine the role of this variant in disease. Therefore, it has been classified as a Variant of Uncertain Significance.

Blueprint Genetics
Classification: Uncertain significance. Last evaluated: 2020-11-25. Review status: criteria provided, single submitter. Criteria: ACMG Guidelines, 2015. Collection method: clinical testing. Allele origin: germline.